The following is an entry in ClinVar:

ClinVar aggregate classification (germline): Likely benign (1 of 4 stars; one submission).

Allele frequency attached by ClinVar (database versions not stated): gnomAD exomes below 0.00001; ExAC 0.00001; gnomAD 0.00001.
gnomAD v4.1: 7 of 1,613,456 alleles (0.00043%); highest among the groups gnomAD compares: Admixed American, 0.0017%; no homozygotes.

Submission:

CeGaT Center for Human Genetics Tuebingen
Classification: Likely benign. Last evaluated: 2023-03-01. Review status: criteria provided, single submitter. Criteria: CeGaT Center For Human Genetics Tuebingen Variant Classification Criteria Version 2. Collection method: clinical testing. Allele origin: germline. Affected: yes. Observed: 1 variant allele.
Comment: MSTN: BP4, BP7

NM_005259.3(MSTN):c.150T>C (p.Ser50=)

Genes: AKAP19 (A-kinase anchoring protein 19; plus strand), MSTN (myostatin; minus strand). Cytogenetic location: 2q32.2.
Variant type: single nucleotide variant.
Coding change: c.150T>C on transcript NM_005259.3 (MANE Select); coding-DNA position 150, T replaced by C.
Protein change: p.Ser50=; no amino-acid change (serine 50 retained).
Molecular consequence: synonymous variant.
Genome position (GRCh38, 1-based): chr2:190,062,447, A>G on the plus strand (T>C on the coding strand, the complement: MSTN is on the minus strand). VCF-style: chr2-190062447-A-G. GRCh37 (hg19) VCF-style: chr2-190927173-A-G.
Identifiers: ClinVar variation 2651763 (VCV002651763.24), dbSNP rs745869779, ClinGen allele CA2027202.